The following is an entry in ClinVar:

ClinVar aggregate classification (germline): Pathogenic (1 of 4 stars; one submission).

Conditions:
Cornelia de Lange syndrome 5 (CDLS5). Also called: HDAC8-Related Cornelia de Lange Syndrome. Identifiers: Orphanet 199, MedGen C3550903, MONDO:0010471, OMIM 300882.

Submission:

3billion
Classification: Pathogenic for Cornelia de Lange syndrome 5. Last evaluated: 2022-01-03. Review status: criteria provided, single submitter. Criteria: ACMG Guidelines, 2015. Collection method: clinical testing. Allele origin: germline. Affected: yes. Observed: 1 heterozygote.
Comment: Stop-gained (nonsense): predicted to result in a loss or disruption of normal protein function through nonsense-mediated decay (NMD) or protein truncation. Multiple pathogenic variants are reported downstream of the variant (PVS1_VS). It is not observed in the gnomAD v2.1.1 dataset (PM2_M). The variant has been reported to be associated with HDAC8 related disorder (PMID:24403048). Therefore, this variant is classified as pathogenic according to the recommendation of ACMG/AMP guideline.

Literature cited by the submitters: PubMed 24403048.

NM_018486.3(HDAC8):c.881G>A (p.Trp294Ter)

Gene: HDAC8 (histone deacetylase 8; minus strand). Cytogenetic location: Xq13.1.
Variant type: single nucleotide variant.
Coding change: c.881G>A on transcript NM_018486.3 (MANE Select); coding-DNA position 881, G replaced by A.
Protein change: p.Trp294Ter; replaces tryptophan 294 with a stop codon.
Molecular consequence: nonsense. On other transcripts: non-coding transcript variant (1).
Genome position (GRCh38, 1-based): chrX:72,464,588, C>T on the plus strand (G>A on the coding strand, the complement: HDAC8 is on the minus strand). VCF-style: chrX-72464588-C-T. GRCh37 (hg19) VCF-style: chrX-71684438-C-T.
Other names: c.608G>A, p.Trp203Ter (NM_001166418.2); short protein forms W203*, W294*.
Identifiers: ClinVar variation 1333326 (VCV001333326.1), dbSNP rs2148045934, ClinGen allele CA413642813.